The following is an entry in ClinVar:

ClinVar aggregate classification (germline): Uncertain significance. Review status: criteria provided, single submitter (1 of 4 stars). 2 submissions from 2 submitters: Uncertain significance (1). 1 of the submissions does not count toward it. Last evaluated 2023-08-17.

Conditions:
ADGRA3-related disorder. Also called: ADGRA3-related condition.

Allele frequency attached by ClinVar (database versions not stated): TOPMed below 0.00001; gnomAD exomes 0.00002.
gnomAD v4.1: 29 of 1,612,160 alleles (0.0018%); highest among the groups gnomAD compares: Non-Finnish European, 0.0025%; no homozygotes.

Submissions (2):

Labcorp Genetics (formerly Invitae), Labcorp
Classification: Uncertain significance. Last evaluated: 2023-08-17. Review status: criteria provided, single submitter. Criteria: Invitae Variant Classification Sherloc (09022015). Collection method: clinical testing. Allele origin: germline.
Comment: This sequence change falls in intron 12 of the ADGRA3 gene. It does not directly change the encoded amino acid sequence of the ADGRA3 protein. It affects a nucleotide within the consensus splice site. This variant is not present in population databases (gnomAD no frequency). This variant has not been reported in the literature in individuals affected with ADGRA3-related conditions. ClinVar contains an entry for this variant (Variation ID: 846112). Variants that disrupt the consensus splice site are a relatively common cause of aberrant splicing (PMID: 17576681, 9536098). Algorithms developed to predict the effect of sequence changes on RNA splicing suggest that this variant may disrupt the consensus splice site. In summary, the available evidence is currently insufficient to determine the role of this variant in disease. Therefore, it has been classified as a Variant of Uncertain Significance.

PreventionGenetics, part of Exact Sciences
Classification: Likely benign for ADGRA3-related condition. Last evaluated: 2019-06-23. Review status: no assertion criteria provided. Collection method: clinical testing. Allele origin: germline. Not counted in ClinVar's aggregate classification.
Comment: This variant is classified as likely benign based on ACMG/AMP sequence variant interpretation guidelines (Richards et al. 2015 PMID: 25741868, with internal and published modifications).

Literature cited by the submitters: PubMed 17576681 (cited by Labcorp Genetics (formerly Invitae), Labcorp); PubMed 9536098 (cited by Labcorp Genetics (formerly Invitae), Labcorp).

NM_145290.4(ADGRA3):c.1809+3A>G

Gene: ADGRA3 (adhesion G protein-coupled receptor A3; minus strand). Cytogenetic location: 4p15.2.
Variant type: single nucleotide variant.
Coding change: c.1809+3A>G on transcript NM_145290.4 (MANE Select); 3 bases into the intron after coding-DNA position 1809, A replaced by G.
Molecular consequence: intron variant.
Genome position (GRCh38, 1-based): chr4:22,420,883, T>C on the plus strand (A>G on the coding strand, the complement: ADGRA3 is on the minus strand). VCF-style: chr4-22420883-T-C. GRCh37 (hg19) VCF-style: chr4-22422506-T-C.
Identifiers: ClinVar variation 846112 (VCV000846112.8), dbSNP rs1036041191, ClinGen allele CA93517441.